The following is an entry in ClinVar:

NM_000179.3(MSH6):c.3932_3933dup (p.Val1312fs)

Gene: MSH6 (mutS homolog 6; plus strand). Cytogenetic location: 2p16.3.
Variant type: Duplication.
Coding change: c.3932_3933dup on transcript NM_000179.3 (MANE Select); coding-DNA positions 3932 to 3933, 2 bases duplicated (AA; older notation c.3932_3933dupAA).
Protein change: p.Val1312fs; shifts the reading frame from valine 1312.
Molecular consequence: frameshift variant. On other transcripts: non-coding transcript variant (5), intron variant (1).
Genome position (GRCh38, 1-based): chr2:47,806,582-47,806,583, AA duplicated. VCF-style (leftmost placement, unchanged base first): chr2-47806581-G-GAA. GRCh37 (hg19) VCF-style: chr2-48033720-G-GAA.
Other names: c.3932_3933dupAA (NM_000179.2); c.3542_3543dup, p.Val1182fs (NM_001281492.2); c.3026_3027dup, p.Val1010fs (NM_001281493.2, NM_001281494.2, NM_001406811.1 and 6 more transcripts); c.4028_4029dup, p.Val1344fs (NM_001406795.1); c.3932_3933dup, p.Val1312fs (NM_001406796.1, NM_001406808.1, NM_001406809.1); c.3635_3636dup, p.Val1213fs (NM_001406797.1, NM_001406801.1, NM_001406805.1 and 10 more transcripts); c.3758_3759dup, p.Val1254fs (NM_001406798.1); c.3407_3408dup, p.Val1137fs (NM_001406799.1, NM_001406806.1, NM_001406807.1); and 10 more; short protein forms L1308fs, V1010fs, V1024fs, V1137fs, V1182fs, V1213fs, V1254fs, V1256fs.
Identifiers: ClinVar variation 2673779 (VCV002673779.2), dbSNP rs2530871524, ClinGen allele CA2695200654.
Genomic context (GRCh38, chr2:47,806,581, plus strand): 5'-AAGGGAGCTTGTCCTAAAAGCTATGGCTTTAATGCAGCAAGGCTTGCTAATCTCCCAGAG[G>GAA]AAGTTATTCAAAAGGGACATAGAAAAGCAAGAGAATTTGAGAAGATGAATCAGTCACTAC-3'

ClinVar aggregate classification (germline): Pathogenic. Review status: criteria provided, multiple submitters, no conflicts (2 of 4 stars). 2 submissions from 2 submitters: Pathogenic (2). Last evaluated 2023-09-26.

Conditions:
Hereditary cancer-predisposing syndrome. Also called: Tumor predisposition; Hereditary neoplastic syndrome; Neoplastic Syndromes, Hereditary; Hereditary Cancer Syndrome. Identifiers: Orphanet 140162, MedGen C0027672, MeSH D009386, MONDO:0015356.
Lynch syndrome 5 (LYNCH5). Also called: Colorectal cancer, hereditary nonpolyposis, type 5; Hereditary non-polyposis colorectal cancer, type 5. Identifiers: Orphanet 144, MedGen C1833477, MONDO:0013710, OMIM 614350. Disease mechanism: loss of function.

Submissions (2):

Myriad Genetics, Inc.
Classification: Pathogenic for Lynch syndrome 5. Last evaluated: 2023-09-26. Review status: criteria provided, single submitter. Criteria: Myriad Autosomal Dominant, Autosomal Recessive and X-Linked Classification Criteria (2023). Collection method: clinical testing. Allele origin: unknown.
Comment: This variant is considered pathogenic. This variant creates a frameshift predicted to result in premature protein truncation.

Ambry Genetics
Classification: Pathogenic for Hereditary cancer-predisposing syndrome. Last evaluated: 2023-02-28. Review status: criteria provided, single submitter. Criteria: Ambry Variant Classification Scheme 2023. Collection method: clinical testing. Allele origin: germline.
Comment: The c.3932_3933dupAA pathogenic mutation, located in coding exon 9 of the MSH6 gene, results from a duplication of AA at nucleotide position 3932, causing a translational frameshift with a predicted alternate stop codon (p.V1312Kfs*16). This alteration occurs at the 3' terminus of theMSH6 gene, is not expected to trigger nonsense-mediated mRNA decay, and only impacts the last 49 amino acids of the protein. However, premature stop codons are typically deleterious in nature and the impacted region is critical for protein function (Ambry internal data). This alteration has been observed in at least one individual with a personal and/or family history that is consistent with Lynch syndrome (Ambry internal data). This variant is considered to be rare based on population cohorts in the Genome Aggregation Database (gnomAD). Based on the supporting evidence, this alteration is interpreted as a disease-causing mutation.